The following is an entry in ClinVar:

NM_001166114.2(PNPLA6):c.1741G>A (p.Glu581Lys)

Gene: PNPLA6 (patatin like domain 6, lysophospholipase; plus strand). Cytogenetic location: 19p13.2.
Variant type: single nucleotide variant.
Coding change: c.1741G>A on transcript NM_001166114.2 (MANE Select); coding-DNA position 1741, G replaced by A.
Protein change: p.Glu581Lys; replaces glutamic acid 581 with lysine.
Molecular consequence: missense variant.
Genome position (GRCh38, 1-based): chr19:7,550,039, G>A. VCF-style: chr19-7550039-G-A. GRCh37 (hg19) VCF-style: chr19-7614925-G-A.
Other names: p.Glu542Lys; c.1624G>A, p.Glu542Lys (NM_001166113.1, NM_006702.5); c.1768G>A, p.Glu590Lys (NM_001166111.2); c.1546G>A, p.Glu516Lys (NM_001166112.2); short protein forms E590K, E516K, E581K, E542K.
Identifiers: ClinVar variation 4542293 (VCV004542293.1).
Genomic context (GRCh38, chr19:7,550,039, plus strand): 5'-GTGTGCCTGTTCGTAGCGCAGCCCGGGGAACTGGTGGGGCAGCTGGCGGTGCTCACTGGC[G>A]AACCTCTCATCTTCACACTGCGAGCCCAACGCGACTGCACCTTCCTGCGGATCTCCAAGT-3'
Protein context (NP_001159586.1, residues 571-591): LVGQLAVLTG[Glu581Lys]PLIFTLRAQR

ClinVar aggregate classification (germline): Uncertain significance (1 of 4 stars; one submission).

Submission:

Mayo Clinic Laboratories, Mayo Clinic
Classification: Uncertain significance. Last evaluated: 2025-02-27. Review status: criteria provided, single submitter. Criteria: ACMG Guidelines, 2015. Collection method: clinical testing. Allele origin: germline. Observed: 1 variant allele.
Comment: PP2, PP3, PM2_supporting